The following is an entry in ClinVar:

NM_000051.4(ATM):c.522C>T (p.Leu174=)

Gene: ATM (ATM serine/threonine kinase; plus strand). Cytogenetic location: 11q22.3.
Variant type: single nucleotide variant.
Coding change: c.522C>T on transcript NM_000051.4 (MANE Select); coding-DNA position 522, C replaced by T.
Protein change: p.Leu174=; no amino-acid change (leucine 174 retained).
Molecular consequence: synonymous variant.
Genome position (GRCh38, 1-based): chr11:108,243,978, C>T. VCF-style: chr11-108243978-C-T. GRCh37 (hg19) VCF-style: chr11-108114705-C-T.
Other names: c.522C>T, p.Leu174= (NM_001351834.2).
Identifiers: ClinVar variation 478995 (VCV000478995.11), dbSNP rs780173724, ClinGen allele CA6264626.

ClinVar aggregate classification (germline): Benign/Likely benign. Review status: criteria provided, multiple submitters, no conflicts (2 of 4 stars). 3 submissions from 3 submitters: Benign (1); Likely benign (2). Last evaluated 2024-04-19.

Conditions:
Hereditary cancer-predisposing syndrome. Also called: Tumor predisposition; Neoplastic Syndromes, Hereditary; Hereditary Cancer Syndrome; Hereditary neoplastic syndrome. Identifiers: Orphanet 140162, MedGen C0027672, MeSH D009386, MONDO:0015356.
Familial cancer of breast. Also called: BREAST CANCER, FAMILIAL; Hereditary breast cancer; hereditary breast carcinoma. Identifiers: Orphanet 227535, MedGen C0346153, MONDO:0016419, OMIM 114480. Disease mechanism: loss of function.
Ataxia-telangiectasia syndrome (AT). Also called: Cerebello-oculocutaneous telangiectasia; Immunodeficiency with ataxia telangiectasia; ATAXIA-TELANGIECTASIA, COMPLEMENTATION GROUP A; Ataxia-telangiectasia, complementation group D; AT, COMPLEMENTATION GROUP C; ATAXIA-TELANGIECTASIA, FRESNO VARIANT. Identifiers: Orphanet 100, MedGen C0004135, MONDO:0008840, OMIM 208900.

Allele frequency attached by ClinVar (database versions not stated): ExAC below 0.00001.

Submissions (3):

Myriad Genetics, Inc.
Classification: Benign for Familial cancer of breast. Last evaluated: 2024-04-19. Review status: criteria provided, single submitter. Criteria: Myriad Autosomal Dominant, Autosomal Recessive and X-Linked Classification Criteria (2023). Collection method: clinical testing. Allele origin: unknown.
Comment: This variant is considered benign. This variant is a silent/synonymous amino acid change and it is not expected to impact splicing.

Labcorp Genetics (formerly Invitae), Labcorp
Classification: Likely benign for Ataxia-telangiectasia syndrome. Last evaluated: 2023-01-24. Review status: criteria provided, single submitter. Criteria: Invitae Variant Classification Sherloc (09022015). Collection method: clinical testing. Allele origin: germline.

Ambry Genetics
Classification: Likely benign for Hereditary cancer-predisposing syndrome. Last evaluated: 2016-06-03. Review status: criteria provided, single submitter. Criteria: Ambry Variant Classification Scheme 2023. Collection method: clinical testing. Allele origin: germline.